The following is an entry in ClinVar:

ClinVar aggregate classification (germline): Likely benign (0 of 4 stars; one submission).

Conditions:
PHIP-related disorder. Also called: PHIP-related condition; PHIP-related disorders.

gnomAD v4.1: 6 of 1,605,476 alleles (0.00037%); highest among the groups gnomAD compares: African/African-American, 0.0054%; no homozygotes.

Submission:

PreventionGenetics, part of Exact Sciences
Classification: Likely benign for PHIP-related condition. Last evaluated: 2024-07-05. Review status: no assertion criteria provided. Collection method: clinical testing. Allele origin: germline.
Comment: This variant is classified as likely benign based on ACMG/AMP sequence variant interpretation guidelines (Richards et al. 2015 PMID: 25741868, with internal and published modifications).

NM_017934.7(PHIP):c.924C>T (p.Asn308=)

Gene: PHIP (PHIP subunit of CUL4-Ring ligase complex; minus strand). Cytogenetic location: 6q14.1.
Variant type: single nucleotide variant.
Coding change: c.924C>T on transcript NM_017934.7 (MANE Select); coding-DNA position 924, C replaced by T.
Protein change: p.Asn308=; no amino-acid change (asparagine 308 retained).
Molecular consequence: synonymous variant.
Genome position (GRCh38, 1-based): chr6:79,019,159, G>A on the plus strand (C>T on the coding strand, the complement: PHIP is on the minus strand). VCF-style: chr6-79019159-G-A. GRCh37 (hg19) VCF-style: chr6-79728876-G-A.
Identifiers: ClinVar variation 3349406 (VCV003349406.1).